The following is an entry in ClinVar:

ClinVar aggregate classification (germline): Uncertain significance (1 of 4 stars; one submission).

Conditions:
Combined immunodeficiency due to ZAP70 deficiency (IMD48). Also called: ZAP70 Deficiency; Immunodeficiency 48. Identifiers: Orphanet 911, MedGen C2931299, MONDO:0010023, OMIM 269840.

Submission:

Labcorp Genetics (formerly Invitae), Labcorp
Classification: Uncertain significance for Combined immunodeficiency due to ZAP70 deficiency. Last evaluated: 2024-07-22. Review status: criteria provided, single submitter. Criteria: Invitae Variant Classification Sherloc (09022015). Collection method: clinical testing. Allele origin: germline.
Comment: This sequence change replaces threonine, which is neutral and polar, with isoleucine, which is neutral and non-polar, at codon 278 of the ZAP70 protein (p.Thr278Ile). This variant is present in population databases (no rsID available, gnomAD 0.007%). This variant has not been reported in the literature in individuals affected with ZAP70-related conditions. ClinVar contains an entry for this variant (Variation ID: 2129860). An algorithm developed to predict the effect of missense changes on protein structure and function (PolyPhen-2) suggests that this variant is likely to be tolerated. In summary, the available evidence is currently insufficient to determine the role of this variant in disease. Therefore, it has been classified as a Variant of Uncertain Significance.

NM_001079.4(ZAP70):c.833C>T (p.Thr278Ile)

Gene: ZAP70 (zeta chain of T cell receptor associated protein kinase 70; plus strand). Cytogenetic location: 2q11.2.
Variant type: single nucleotide variant.
Coding change: c.833C>T on transcript NM_001079.4 (MANE Select); coding-DNA position 833, C replaced by T.
Protein change: p.Thr278Ile; replaces threonine 278 with isoleucine.
Molecular consequence: missense variant. On other transcripts: 5 prime UTR variant (1).
Genome position (GRCh38, 1-based): chr2:97,733,339, C>T. VCF-style: chr2-97733339-C-T. GRCh37 (hg19) VCF-style: chr2-98349802-C-T.
Other names: c.833C>T, p.Thr278Ile (NM_001378594.1); c.-1213C>T (NM_207519.2); short protein forms T278I.
Identifiers: ClinVar variation 2129860 (VCV002129860.4), dbSNP rs1244767669, ClinGen allele CA347799034.